The following is an entry in ClinVar:

ClinVar aggregate classification (germline): Uncertain significance (1 of 4 stars; one submission).

Allele frequency attached by ClinVar (database versions not stated): TOPMed 0.00003; gnomAD 0.00005; 1000 Genomes Project 30x 0.00031; ExAC 0.00036.

Submission:

Labcorp Genetics (formerly Invitae), Labcorp
Classification: Uncertain significance. Last evaluated: 2024-02-17. Review status: criteria provided, single submitter. Criteria: Invitae Variant Classification Sherloc (09022015). Collection method: clinical testing. Allele origin: germline.
Comment: This sequence change replaces valine, which is neutral and non-polar, with isoleucine, which is neutral and non-polar, at codon 206 of the SBF1 protein (p.Val206Ile). The frequency data for this variant in the population databases is considered unreliable, as metrics indicate poor data quality at this position in the gnomAD database. This variant has not been reported in the literature in individuals affected with SBF1-related conditions. ClinVar contains an entry for this variant (Variation ID: 2145532). Algorithms developed to predict the effect of missense changes on protein structure and function output the following: SIFT: "Not Available"; PolyPhen-2: "Benign"; Align-GVGD: "Not Available". The isoleucine amino acid residue is found in multiple mammalian species, which suggests that this missense change does not adversely affect protein function. In summary, the available evidence is currently insufficient to determine the role of this variant in disease. Therefore, it has been classified as a Variant of Uncertain Significance.

NM_002972.4(SBF1):c.616G>A (p.Val206Ile)

Gene: SBF1 (SET binding factor 1; minus strand). Cytogenetic location: 22q13.33.
Variant type: single nucleotide variant.
Coding change: c.616G>A on transcript NM_002972.4 (MANE Select); coding-DNA position 616, G replaced by A.
Protein change: p.Val206Ile; replaces valine 206 with isoleucine.
Molecular consequence: missense variant.
Genome position (GRCh38, 1-based): chr22:50,466,644, C>T on the plus strand (G>A on the coding strand, the complement: SBF1 is on the minus strand). VCF-style: chr22-50466644-C-T. GRCh37 (hg19) VCF-style: chr22-50905073-C-T.
Other names: c.619G>A, p.Val207Ile (NM_001365819.1, NM_001410794.1); c.616G>A, p.Val206Ile (NM_001410795.1, NM_197971.1); short protein forms V206I, V207I.
Identifiers: ClinVar variation 2145532 (VCV002145532.3), dbSNP rs755564684, ClinGen allele CA10318017.